The following is an entry in ClinVar:

ClinVar aggregate classification (germline): Uncertain significance. Review status: criteria provided, multiple submitters, no conflicts (2 of 4 stars). 2 submissions from 2 submitters: Uncertain significance (2). Last evaluated 2025-03-18.

Conditions:
Inborn genetic diseases. Identifiers: MedGen C0950123, MeSH D030342.

Allele frequency attached by ClinVar (database versions not stated): gnomAD exomes below 0.00001; TOPMed below 0.00001; ExAC 0.00001; gnomAD 0.00001.

Submissions (2):

Ambry Genetics
Classification: Uncertain significance for Inborn genetic diseases. Last evaluated: 2025-03-18. Review status: criteria provided, single submitter. Criteria: Ambry Variant Classification Scheme 2023. Collection method: clinical testing. Allele origin: germline.

Labcorp Genetics (formerly Invitae), Labcorp
Classification: Uncertain significance. Last evaluated: 2022-02-24. Review status: criteria provided, single submitter. Criteria: Invitae Variant Classification Sherloc (09022015). Collection method: clinical testing. Allele origin: germline.
Comment: This sequence change replaces tyrosine, which is neutral and polar, with cysteine, which is neutral and slightly polar, at codon 551 of the ERCC6 protein (p.Tyr551Cys). This variant is present in population databases (rs780446851, gnomAD 0.003%). This variant has not been reported in the literature in individuals affected with ERCC6-related conditions. Algorithms developed to predict the effect of missense changes on protein structure and function are either unavailable or do not agree on the potential impact of this missense change (SIFT: "Deleterious"; PolyPhen-2: "Benign"; Align-GVGD: "Class C65"). In summary, the available evidence is currently insufficient to determine the role of this variant in disease. Therefore, it has been classified as a Variant of Uncertain Significance.

NM_000124.4(ERCC6):c.1652A>G (p.Tyr551Cys)

Gene: ERCC6 (ERCC excision repair 6, chromatin remodeling factor; minus strand). Cytogenetic location: 10q11.23.
Variant type: single nucleotide variant.
Coding change: c.1652A>G on transcript NM_000124.4 (MANE Select); coding-DNA position 1652, A replaced by G.
Protein change: p.Tyr551Cys; replaces tyrosine 551 with cysteine.
Molecular consequence: missense variant.
Genome position (GRCh38, 1-based): chr10:49,500,571, T>C on the plus strand (A>G on the coding strand, the complement: ERCC6 is on the minus strand). VCF-style: chr10-49500571-T-C. GRCh37 (hg19) VCF-style: chr10-50708617-T-C.
Other names: c.1652A>G, p.Tyr551Cys (NM_001346440.2); c.1652A>G (NM_000124.2); short protein forms Y551C.
Identifiers: ClinVar variation 1505052 (VCV001505052.4), dbSNP rs780446851, ClinGen allele CA5495914.